The following is an entry in ClinVar:

NM_021076.4(NEFH):c.572_590del (p.Gln191fs)

Gene: NEFH (neurofilament heavy chain; plus strand). Cytogenetic location: 22q12.2.
Variant type: Deletion.
Coding change: c.572_590del on transcript NM_021076.4 (MANE Select); coding-DNA positions 572 to 590, 19 bases deleted (AGCGAGAGGAGGCCGAGGC).
Protein change: p.Gln191fs; shifts the reading frame from glutamine 191.
Molecular consequence: frameshift variant.
Genome position (GRCh38, 1-based): chr22:29,480,834-29,480,852, AGCGAGAGGAGGCCGAGGC deleted; deleting any 19 consecutive bases within chr22:29,480,831-29,480,852 gives the same sequence; the c. name uses the placement nearest the transcript's 3' end. VCF-style (leftmost placement, unchanged base first): chr22-29480830-CGGCAGCGAGAGGAGGCCGA-C. GRCh37 (hg19) VCF-style: chr22-29876819-CGGCAGCGAGAGGAGGCCGA-C.
Other names: short protein forms Q191fs.
Identifiers: ClinVar variation 2132730 (VCV002132730.4), dbSNP rs2517969066, ClinGen allele CA2580099479.

ClinVar aggregate classification (germline): Uncertain significance (1 of 4 stars; one submission).

Submission:

Labcorp Genetics (formerly Invitae), Labcorp
Classification: Uncertain significance. Last evaluated: 2022-06-21. Review status: criteria provided, single submitter. Criteria: Invitae Variant Classification Sherloc (09022015). Collection method: clinical testing. Allele origin: germline.
Comment: This sequence change creates a premature translational stop signal (p.Gln191Argfs*67) in the NEFH gene. It is expected to result in an absent or disrupted protein product. However, the current clinical and genetic evidence is not sufficient to establish whether loss-of-function variants in NEFH cause disease. This variant is not present in population databases (gnomAD no frequency). In summary, the available evidence is currently insufficient to determine the role of this variant in disease. Therefore, it has been classified as a Variant of Uncertain Significance. This variant has not been reported in the literature in individuals affected with NEFH-related conditions.